The following is an entry in ClinVar:

NM_001378454.1(ALMS1):c.7948del (p.Ser2650fs)

Gene: ALMS1 (ALMS1 centrosome and basal body associated protein; plus strand). Cytogenetic location: 2p13.1.
Variant type: Deletion.
Coding change: c.7948del on transcript NM_001378454.1 (MANE Select); coding-DNA position 7948, one base deleted (A; older notation c.7948delA).
Protein change: p.Ser2650fs; shifts the reading frame from serine 2650.
Molecular consequence: frameshift variant.
Genome position (GRCh38, 1-based): chr2:73,489,907, A deleted; the last of 5 consecutive A bases (chr2:73,489,903-73,489,907); deleting any one gives the same sequence. VCF-style (leftmost placement, unchanged base first): chr2-73489902-TA-T. GRCh37 (hg19) VCF-style: chr2-73717029-TA-T.
Other names: c.7951del, p.Ser2651fs (NM_015120.4); short protein forms S2650fs, S2651fs.
Identifiers: ClinVar variation 2025179 (VCV002025179.4), dbSNP rs2466213478, ClinGen allele CA2580068230.

ClinVar aggregate classification (germline): Pathogenic (1 of 4 stars; one submission).

Conditions:
Alstrom syndrome (ALMS). Identifiers: Orphanet 64, MedGen C0268425, MONDO:0008763, OMIM 203800.

Submission:

Labcorp Genetics (formerly Invitae), Labcorp
Classification: Pathogenic for Alstrom syndrome. Last evaluated: 2022-08-20. Review status: criteria provided, single submitter. Criteria: Invitae Variant Classification Sherloc (09022015). Collection method: clinical testing. Allele origin: germline.
Comment: This variant has not been reported in the literature in individuals affected with ALMS1-related conditions. This variant is not present in population databases (gnomAD no frequency). This sequence change creates a premature translational stop signal (p.Ser2651Valfs*34) in the ALMS1 gene. It is expected to result in an absent or disrupted protein product. Loss-of-function variants in ALMS1 are known to be pathogenic (PMID: 17594715). For these reasons, this variant has been classified as Pathogenic.

Literature cited by the submitters: PubMed 17594715.